The following is an entry in ClinVar:

NM_006950.3(SYN1):c.1208_1211del (p.Lys403fs)

Gene: SYN1 (synapsin I; minus strand). Cytogenetic location: Xp11.3.
Variant type: Deletion.
Coding change: c.1208_1211del on transcript NM_006950.3 (MANE Select); coding-DNA positions 1208 to 1211, 4 bases deleted (AACA; older notation c.1208_1211delAACA).
Protein change: p.Lys403fs; shifts the reading frame from lysine 403.
Molecular consequence: frameshift variant.
Genome position (GRCh38, 1-based): chrX:47,575,222-47,575,225, TGTT deleted on the plus strand (AACA on the coding strand, the reverse complement: SYN1 is on the minus strand); deleting any 4 consecutive bases within chrX:47,575,222-47,575,228 gives the same sequence; the c. name uses the placement nearest the transcript's 3' end. VCF-style (leftmost placement, unchanged base first): chrX-47575221-CTGTT-C. GRCh37 (hg19) VCF-style: chrX-47434620-CTGTT-C.
Other names: c.1208_1211del, p.Lys403fs (NM_133499.2); short protein forms K403fs.
Identifiers: ClinVar variation 2849297 (VCV002849297.3), dbSNP rs2519685918, ClinGen allele CA2739273506.
Genomic context (GRCh38, chrX:47,575,221, plus strand): 5'-CCGCTGTCGCTGCCGGGGCAGGGCCTGAGCCATCTTGTTGACCACGAGCTCTACGATGAG[CTGTT>C]TGTCTTCATCCTGGTGGTCACCAATGAGCGGCATGGAGGAACCCACCACCTGGGGGAAGG-3'

ClinVar aggregate classification (germline): Pathogenic (1 of 4 stars; one submission).

Conditions:
Epilepsy, X-linked 1, with variable learning disabilities and behavior disorders. Also called: X-linked epilepsy-learning disabilities-behavior disorders syndrome. Identifiers: Orphanet 85294, MedGen C5774177, MONDO:0010339, OMIM 300491.

Submission:

Labcorp Genetics (formerly Invitae), Labcorp
Classification: Pathogenic for Epilepsy, X-linked 1, with variable learning disabilities and behavior disorders. Last evaluated: 2023-03-25. Review status: criteria provided, single submitter. Criteria: Invitae Variant Classification Sherloc (09022015). Collection method: clinical testing. Allele origin: germline.
Comment: For these reasons, this variant has been classified as Pathogenic. This variant has not been reported in the literature in individuals affected with SYN1-related conditions. This variant is not present in population databases (gnomAD no frequency). This sequence change creates a premature translational stop signal (p.Lys403Serfs*4) in the SYN1 gene. It is expected to result in an absent or disrupted protein product. Loss-of-function variants in SYN1 are known to be pathogenic (PMID: 14985377, 21441247).

Literature cited by the submitters: PubMed 14985377; PubMed 21441247.